The following is an entry in ClinVar:

NM_000051.4(ATM):c.5459A>C (p.Lys1820Thr)

Gene: ATM (ATM serine/threonine kinase; plus strand). Cytogenetic location: 11q22.3.
Variant type: single nucleotide variant.
Coding change: c.5459A>C on transcript NM_000051.4 (MANE Select); coding-DNA position 5459, A replaced by C.
Protein change: p.Lys1820Thr; replaces lysine 1820 with threonine.
Molecular consequence: missense variant.
Genome position (GRCh38, 1-based): chr11:108,302,992, A>C. VCF-style: chr11-108302992-A-C. GRCh37 (hg19) VCF-style: chr11-108173719-A-C.
Other names: c.5459A>C, p.Lys1820Thr (NM_001351834.2); short protein forms K1820T.
Identifiers: ClinVar variation 482545 (VCV000482545.14), dbSNP rs983664978, ClinGen allele CA382544290.
Genomic context (GRCh38, chr11:108,302,992, plus strand): 5'-AAAATCATGACATTTGGATAAAGACACTGACTTGTGCTTTTTTGGACAGTGGAGGCACAA[A>C]ATGTGAAATTCTTCAATTATTAAAGCCAATGTGTGAAGTAAGAAGATTAATTAGTCTGAT-3'
Protein context (NP_000042.3, residues 1810-1830): TCAFLDSGGT[Lys1820Thr]CEILQLLKPM

ClinVar aggregate classification (germline): Uncertain significance. Review status: criteria provided, multiple submitters, no conflicts (2 of 4 stars). 5 submissions from 5 submitters: Uncertain significance (5). Last evaluated 2025-07-31.

Conditions:
Hereditary cancer-predisposing syndrome. Also called: Hereditary neoplastic syndrome; Neoplastic Syndromes, Hereditary; Tumor predisposition; Hereditary Cancer Syndrome. Identifiers: Orphanet 140162, MedGen C0027672, MeSH D009386, MONDO:0015356.
Ataxia-telangiectasia syndrome (AT). Also called: LOUIS-BAR SYNDROME; Cerebello-oculocutaneous telangiectasia; Immunodeficiency with ataxia telangiectasia; AT, COMPLEMENTATION GROUP C; Ataxia-telangiectasia, complementation group D; ATAXIA-TELANGIECTASIA, COMPLEMENTATION GROUP A. Identifiers: Orphanet 100, MedGen C0004135, MONDO:0008840, OMIM 208900.

Submissions (5):

GeneDx
Classification: Uncertain significance. Last evaluated: 2025-07-31. Review status: criteria provided, single submitter. Criteria: GeneDx Variant Classification Process June 2021. Collection method: clinical testing. Allele origin: germline. Affected: yes.
Comment: Not observed at significant frequency in large population cohorts (gnomAD); In silico analysis suggests that this missense variant does not alter protein structure/function; Has not been previously published as pathogenic or benign to our knowledge

Labcorp Genetics (formerly Invitae), Labcorp
Classification: Uncertain significance for Ataxia-telangiectasia syndrome. Last evaluated: 2025-07-27. Review status: criteria provided, single submitter. Criteria: Invitae Variant Classification Sherloc (09022015). Collection method: clinical testing. Allele origin: germline.
Comment: This sequence change replaces lysine, which is basic and polar, with threonine, which is neutral and polar, at codon 1820 of the ATM protein (p.Lys1820Thr). This variant is not present in population databases (gnomAD no frequency). This variant has not been reported in the literature in individuals affected with ATM-related conditions. ClinVar contains an entry for this variant (Variation ID: 482545). Invitae Evidence Modeling of protein sequence and biophysical properties (such as structural, functional, and spatial information, amino acid conservation, physicochemical variation, residue mobility, and thermodynamic stability) indicates that this missense variant is not expected to disrupt ATM protein function with a negative predictive value of 95%. In summary, the available evidence is currently insufficient to determine the role of this variant in disease. Therefore, it has been classified as a Variant of Uncertain Significance.

Color Diagnostics, LLC DBA Color Health
Classification: Uncertain significance for Hereditary cancer-predisposing syndrome. Last evaluated: 2024-06-24. Review status: criteria provided, single submitter. Criteria: ACMG Guidelines, 2015. Collection method: clinical testing. Allele origin: germline.
Comment: This missense variant replaces lysine with threonine at codon 1820 of the ATM protein. Computational prediction suggests that this variant may not impact protein structure and function (internally defined REVEL score threshold <= 0.5, PMID: 27666373). To our knowledge, functional studies have not been reported for this variant. This variant has not been reported in individuals affected with ATM-related disorders in the literature. This variant has not been identified in the general population by the Genome Aggregation Database (gnomAD). The available evidence is insufficient to determine the role of this variant in disease conclusively. Therefore, this variant is classified as a Variant of Uncertain Significance.

Ambry Genetics
Classification: Uncertain significance for Hereditary cancer-predisposing syndrome. Last evaluated: 2023-12-01. Review status: criteria provided, single submitter. Criteria: Ambry Variant Classification Scheme 2023. Collection method: clinical testing. Allele origin: germline.
Comment: The p.K1820T variant (also known as c.5459A>C), located in coding exon 35 of the ATM gene, results from an A to C substitution at nucleotide position 5459. The lysine at codon 1820 is replaced by threonine, an amino acid with similar properties. This amino acid position is well conserved in available vertebrate species. In addition, this alteration is predicted to be tolerated by in silico analysis. Since supporting evidence is limited at this time, the clinical significance of this alteration remains unclear.

Women's Health and Genetics/Laboratory Corporation of America, LabCorp
Classification: Uncertain significance. Last evaluated: 2017-10-06. Review status: criteria provided, single submitter. Criteria: LabCorp Variant Classification Summary - May 2015. Collection method: clinical testing. Allele origin: germline.
Comment: Variant summary: The ATM c.5459A>C (p.Lys1820Thr) variant involves the alteration of a non-conserved nucleotide. 2/3 in silico tools predict a benign outcome for this variant (SNPsandGO not captured due to low reliability index). This variant is absent in 215010 control chromosomes. The variant of interest has not, to our knowledge, been reported in affected individuals via publications and/or reputable databases/clinical diagnostic laboratories; nor evaluated for functional impact by in vivo/vitro studies. Because of the absence of clinical information and the lack of functional studies, the variant is classified as a variant of uncertain significance (VUS) until additional information becomes available.